The following is an entry in ClinVar:

ClinVar aggregate classification (germline): Uncertain significance. Review status: criteria provided, multiple submitters, no conflicts (2 of 4 stars). 2 submissions from 2 submitters: Uncertain significance (2). Last evaluated 2025-12-01.

Conditions:
Inborn genetic diseases. Identifiers: MedGen C0950123, MeSH D030342.

Allele frequency attached by ClinVar (database versions not stated): gnomAD 0.00001; gnomAD exomes 0.00002; TOPMed 0.00002.
gnomAD v4.1: 28 of 1,613,570 alleles (0.0017%); highest among the groups gnomAD compares: Non-Finnish European, 0.0021%; no homozygotes.

Submissions (2):

Labcorp Genetics (formerly Invitae), Labcorp
Classification: Uncertain significance. Last evaluated: 2025-12-01. Review status: criteria provided, single submitter. Criteria: Invitae Variant Classification Sherloc (09022015). Collection method: clinical testing. Allele origin: germline.
Comment: This sequence change replaces tyrosine, which is neutral and polar, with histidine, which is basic and polar, at codon 126 of the NDUFS2 protein (p.Tyr126His). This variant is present in population databases (no rsID available, gnomAD 0.009%). This variant has not been reported in the literature in individuals affected with NDUFS2-related conditions. ClinVar contains an entry for this variant (Variation ID: 1350500). Invitae Evidence Modeling of protein sequence and biophysical properties (such as structural, functional, and spatial information, amino acid conservation, physicochemical variation, residue mobility, and thermodynamic stability) indicates that this missense variant is not expected to disrupt NDUFS2 protein function with a negative predictive value of 80%. In summary, the available evidence is currently insufficient to determine the role of this variant in disease. Therefore, it has been classified as a Variant of Uncertain Significance.

Ambry Genetics
Classification: Uncertain significance for Inborn genetic diseases. Last evaluated: 2025-06-17. Review status: criteria provided, single submitter. Criteria: Ambry Variant Classification Scheme 2023. Collection method: clinical testing. Allele origin: germline.

NM_001377299.1(NDUFS2):c.376T>C (p.Tyr126His)

Gene: NDUFS2 (NADH:ubiquinone oxidoreductase core subunit S2; plus strand). Cytogenetic location: 1q23.3.
Variant type: single nucleotide variant.
Coding change: c.376T>C on transcript NM_001377299.1 (MANE Select); coding-DNA position 376, T replaced by C.
Protein change: p.Tyr126His; replaces tyrosine 126 with histidine.
Molecular consequence: missense variant. On other transcripts: non-coding transcript variant (1).
Genome position (GRCh38, 1-based): chr1:161,206,580, T>C. VCF-style: chr1-161206580-T-C. GRCh37 (hg19) VCF-style: chr1-161176370-T-C.
Other names: c.376T>C, p.Tyr126His (NM_001166159.2, NM_001377298.1, NM_001377300.1 and 3 more transcripts); c.376T>C (NM_004550.4); short protein forms Y126H.
Identifiers: ClinVar variation 1350500 (VCV001350500.9), dbSNP rs910917366, ClinGen allele CA31669820.